The following is an entry in ClinVar:

NM_000287.4(PEX6):c.2644G>A (p.Val882Ile)

Gene: PEX6 (peroxisomal biogenesis factor 6; minus strand). Cytogenetic location: 6p21.1.
Variant type: single nucleotide variant.
Coding change: c.2644G>A on transcript NM_000287.4 (MANE Select); coding-DNA position 2644, G replaced by A.
Protein change: p.Val882Ile; replaces valine 882 with isoleucine.
Molecular consequence: missense variant. On other transcripts: non-coding transcript variant (1).
Genome position (GRCh38, 1-based): chr6:42,965,097, C>T on the plus strand (G>A on the coding strand, the complement: PEX6 is on the minus strand). VCF-style: chr6-42965097-C-T. GRCh37 (hg19) VCF-style: chr6-42932835-C-T.
Other names: c.2380G>A, p.Val794Ile (NM_001316313.2); short protein forms V882I, V794I.
Identifiers: ClinVar variation 255739 (VCV000255739.23), dbSNP rs2274516, ClinGen allele CA3810951.

ClinVar aggregate classification (germline): Benign/Likely benign. Review status: criteria provided, multiple submitters, no conflicts (2 of 4 stars). 8 submissions from 8 submitters: Benign (4); Likely benign (2). 2 of the submissions do not count toward it. Last evaluated 2026-02-04.

Conditions:
Zellweger spectrum disorders (ZS). Also called: Zellweger syndrome; Zellweger Spectrum Disorder (ZSD); Zellweger Spectrum Disorder; Zellweger Spectrum. Identifiers: Orphanet 912, MedGen C0043459, MONDO:0019609.
Peroxisome biogenesis disorder 4A (Zellweger) (PBD4A). Also called: Zellweger syndrome spectrum (PEX6-related). Identifiers: Orphanet 912, MedGen C3553936, MONDO:0013930, OMIM 614862. Disease mechanism: loss of function.
Peroxisome biogenesis disorder. Identifiers: Orphanet 79189, MedGen C1832200, MONDO:0019234. Disease mechanism: loss of function.

Allele frequency attached by ClinVar (database versions not stated): 1000 Genomes Project 30x 0.01671; 1000 Genomes Project 0.01697; TOPMed 0.01790; gnomAD 0.02086 and 0.02095; ESP Exome Variant Server 0.02122; ExAC 0.02195; gnomAD exomes 0.02263 and 0.02659.

Submissions (8):

Labcorp Genetics (formerly Invitae), Labcorp
Classification: Benign for Peroxisome biogenesis disorder. Last evaluated: 2026-02-04. Review status: criteria provided, single submitter. Criteria: Invitae Variant Classification Sherloc (09022015). Collection method: clinical testing. Allele origin: germline.

GeneDx
Classification: Likely benign. Last evaluated: 2021-06-22. Review status: criteria provided, single submitter. Criteria: GeneDx Variant Classification Process June 2021. Collection method: clinical testing. Allele origin: germline. Affected: yes.

Athena Diagnostics
Classification: Benign. Last evaluated: 2018-07-31. Review status: criteria provided, single submitter. Criteria: Athena Diagnostics Criteria. Collection method: clinical testing. Allele origin: germline.

Illumina Laboratory Services, Illumina
Classification: Benign for Peroxisome biogenesis disorder 4A (Zellweger). Last evaluated: 2018-01-13. Review status: criteria provided, single submitter. Criteria: ICSL Variant Classification Criteria 13 December 2019. Collection method: clinical testing. Allele origin: germline.
Comment: This variant was observed in the ICSL laboratory as part of a predisposition screen in an ostensibly healthy population. It had not been previously curated by ICSL or reported in the Human Gene Mutation Database (HGMD: prior to June 1st, 2018), and was therefore a candidate for classification through an automated scoring system. Utilizing variant allele frequency, disease prevalence and penetrance estimates, and inheritance mode, an automated score was calculated to assess if this variant is too frequent to cause the disease. Based on the score and internal cut-off values, a variant classified as benign is not then subjected to further curation. The score for this variant resulted in a classification of benign for this disease.

Breakthrough Genomics
Classification: Likely benign. Review status: criteria provided, single submitter. Criteria: ACMG Guidelines, 2015. Collection method: not provided. Allele origin: germline. Inheritance: Autosomal recessive inheritance. Affected: yes.

PreventionGenetics, part of Exact Sciences
Classification: Benign. Review status: criteria provided, single submitter. Criteria: ACMG Guidelines, 2015. Collection method: clinical testing. Allele origin: germline.

Natera, Inc.
Classification: Benign for Zellweger syndrome. Last evaluated: 2020-09-16. Review status: no assertion criteria provided. Collection method: clinical testing. Allele origin: germline. Not counted in ClinVar's aggregate classification.

Mayo Clinic Laboratories, Mayo Clinic
Classification: Benign. Last evaluated: 2015-12-15. Review status: no assertion criteria provided. Collection method: clinical testing. Allele origin: unknown. Not counted in ClinVar's aggregate classification.

Literature cited by the submitters: PubMed 19105186 (cited by Athena Diagnostics); PubMed 17190851 (cited by Athena Diagnostics).